The following is an entry in ClinVar:

ClinVar aggregate classification (germline): Uncertain significance (1 of 4 stars; one submission).

Conditions:
MHC class II deficiency. Also called: Bare lymphocyte syndrome 2; BLS, TYPE II. Identifiers: Orphanet 572, MedGen C5447452, MONDO:0008855.

Submission:

Labcorp Genetics (formerly Invitae), Labcorp
Classification: Uncertain significance for MHC class II deficiency. Last evaluated: 2025-01-07. Review status: criteria provided, single submitter. Criteria: Invitae Variant Classification Sherloc (09022015). Collection method: clinical testing. Allele origin: germline.
Comment: This sequence change falls in intron 15 of the CIITA gene. It does not directly change the encoded amino acid sequence of the CIITA protein. This variant is not present in population databases (gnomAD no frequency). This variant has not been reported in the literature in individuals affected with CIITA-related conditions. Algorithms developed to predict the effect of sequence changes on RNA splicing suggest that this variant may disrupt the consensus splice site. In summary, the available evidence is currently insufficient to determine the role of this variant in disease. Therefore, it has been classified as a Variant of Uncertain Significance.

NM_000246.4(CIITA):c.3063-14_3063-13del

Gene: CIITA (class II major histocompatibility complex transactivator; plus strand). Cytogenetic location: 16p13.13.
Variant type: Deletion.
Coding change: c.3063-14_3063-13del on transcript NM_000246.4 (MANE Select); 14 bases into the intron before coding-DNA position 3063 through 13 bases into the intron before coding-DNA position 3063, 2 bases deleted (CT; older notation c.3063-14_3063-13delCT).
Molecular consequence: intron variant.
Genome position (GRCh38, 1-based): chr16:10,918,426-10,918,427, CT deleted. VCF-style (leftmost placement, unchanged base first): chr16-10918425-ACT-A. GRCh37 (hg19) VCF-style: chr16-11012282-ACT-A.
Other names: c.3066-14_3066-13del (NM_001286402.1, NM_001379332.1); c.2919-14_2919-13del (NM_001379330.1); c.3063-14_3063-13del (NM_001379333.1); c.2916-14_2916-13del (NM_001379331.1); c.1311-14_1311-13del (NM_001286403.2); c.2994-14_2994-13del (NM_001379334.1).
Identifiers: ClinVar variation 3702188 (VCV003702188.2).